The following is an entry in ClinVar:

ClinVar aggregate classification (germline): Uncertain significance. Review status: criteria provided, multiple submitters, no conflicts (2 of 4 stars). 3 submissions from 3 submitters: Uncertain significance (3). Last evaluated 2026-01-26.

Conditions:
Inborn genetic diseases. Identifiers: MedGen C0950123, MeSH D030342.
Osteopetrosis. Identifiers: Orphanet 2781, MedGen C0029454, MONDO:0017198, HP:0011002.

Allele frequency attached by ClinVar (database versions not stated): gnomAD exomes 0.00003; TOPMed 0.00003; gnomAD 0.00001; ExAC 0.00003.
gnomAD v4.1: 49 of 1,612,736 alleles (0.003%); highest among the groups gnomAD compares: Admixed American, 0.005%; no homozygotes.

Submissions (3):

Labcorp Genetics (formerly Invitae), Labcorp
Classification: Uncertain significance. Last evaluated: 2026-01-26. Review status: criteria provided, single submitter. Criteria: Invitae Variant Classification Sherloc (09022015). Collection method: clinical testing. Allele origin: germline.
Comment: This sequence change replaces isoleucine, which is neutral and non-polar, with valine, which is neutral and non-polar, at codon 569 of the CLCN7 protein (p.Ile569Val). This variant is present in population databases (rs753172781, gnomAD 0.006%). This variant has not been reported in the literature in individuals affected with CLCN7-related conditions. ClinVar contains an entry for this variant (Variation ID: 884327). An algorithm developed to predict the effect of missense changes on protein structure and function (PolyPhen-2) suggests that this variant is likely to be disruptive. This variant disrupts the p.Ile569 amino acid residue in CLCN7. Other variant(s) that disrupt this residue have been determined to be pathogenic (PMID: 29595814). This suggests that this residue is clinically significant, and that variants that disrupt this residue are likely to be disease-causing. In summary, the available evidence is currently insufficient to determine the role of this variant in disease. Therefore, it has been classified as a Variant of Uncertain Significance.

Ambry Genetics
Classification: Uncertain significance for Inborn genetic diseases. Last evaluated: 2025-04-19. Review status: criteria provided, single submitter. Criteria: Ambry Variant Classification Scheme 2023. Collection method: clinical testing. Allele origin: germline.

Illumina Laboratory Services, Illumina
Classification: Uncertain significance for Osteopetrosis. Last evaluated: 2018-01-12. Review status: criteria provided, single submitter. Criteria: ICSL Variant Classification Criteria 13 December 2019. Collection method: clinical testing. Allele origin: germline.

Literature cited by the submitters: PubMed 29595814 (cited by Labcorp Genetics (formerly Invitae), Labcorp).

NM_001287.6(CLCN7):c.1705A>G (p.Ile569Val)

Gene: CLCN7 (Cl-/H+ antiporter 7; minus strand). Cytogenetic location: 16p13.3.
Variant type: single nucleotide variant.
Coding change: c.1705A>G on transcript NM_001287.6 (MANE Select); coding-DNA position 1705, A replaced by G.
Protein change: p.Ile569Val; replaces isoleucine 569 with valine.
Molecular consequence: missense variant.
Genome position (GRCh38, 1-based): chr16:1,449,058, T>C on the plus strand (A>G on the coding strand, the complement: CLCN7 is on the minus strand). VCF-style: chr16-1449058-T-C. GRCh37 (hg19) VCF-style: chr16-1499059-T-C.
Other names: c.1705A>G (NM_001287.4); c.1633A>G, p.Ile545Val (NM_001114331.3); short protein forms I569V, I545V.
Identifiers: ClinVar variation 884327 (VCV000884327.8), dbSNP rs753172781, ClinGen allele CA7810101.